The following is an entry in ClinVar:

NC_000007.14:g.(?_120732903)_(120840109_?)dup

Genes: KCND2 (potassium voltage-gated channel subfamily D member 2; plus strand), TSPAN12 (tetraspanin 12; minus strand). Cytogenetic location: 7q31.31.
Variant type: Duplication.
Identifiers: ClinVar variation 832398 (VCV000832398.6).

ClinVar aggregate classification (germline): Uncertain significance (1 of 4 stars; one submission).

Submission:

Labcorp Genetics (formerly Invitae), Labcorp
Classification: Uncertain significance. Last evaluated: 2022-08-22. Review status: criteria provided, single submitter. Criteria: Invitae Variant Classification Sherloc (09022015). Collection method: clinical testing. Allele origin: germline.
Comment: In summary, the available evidence is currently insufficient to determine the role of this variant in disease. Therefore, it has been classified as a Variant of Uncertain Significance. This variant has not been reported in the literature in individuals affected with TSPAN12-related conditions. This variant results in a copy number gain of the genomic region encompassing exon(s) 3-8 of the TSPAN12 gene. This region includes the termination codon of the gene. This copy number gain extends beyond the assayed region for this gene and therefore may encompass additional genes. As the precise location of this event is unknown, it may be in tandem or it may be located elsewhere in the genome.